The following is an entry in ClinVar:

NM_022489.4(INF2):c.3119C>A (p.Thr1040Lys)

Gene: INF2 (inverted formin 2; plus strand). Cytogenetic location: 14q32.33.
Variant type: single nucleotide variant.
Coding change: c.3119C>A on transcript NM_022489.4 (MANE Select); coding-DNA position 3119, C replaced by A.
Protein change: p.Thr1040Lys; replaces threonine 1040 with lysine.
Molecular consequence: missense variant.
Genome position (GRCh38, 1-based): chr14:104,714,281, C>A. VCF-style: chr14-104714281-C-A. GRCh37 (hg19) VCF-style: chr14-105180618-C-A.
Other names: c.3119C>A, p.Thr1040Lys (NM_001031714.4, NM_001426862.1, NM_001426863.1 and 2 more transcripts); short protein forms T1040K.
Identifiers: ClinVar variation 2932055 (VCV002932055.3), dbSNP rs746392134, ClinGen allele CA391223575.

ClinVar aggregate classification (germline): Uncertain significance (1 of 4 stars; one submission).

Conditions:
Focal segmental glomerulosclerosis 5 (FSGS5). Identifiers: Orphanet 656, MedGen C2750475, MONDO:0013191, OMIM 613237.
Charcot-Marie-Tooth disease dominant intermediate E. Also called: CHARCOT-MARIE-TOOTH NEUROPATHY WITH FOCAL SEGMENTAL GLOMERULONEPHRITIS. Identifiers: Orphanet 93114, MedGen C4302667, MONDO:0013758, OMIM 614455.

Submission:

Labcorp Genetics (formerly Invitae), Labcorp
Classification: Uncertain significance for Charcot-Marie-Tooth disease dominant intermediate E; Focal segmental glomerulosclerosis 5. Last evaluated: 2023-12-30. Review status: criteria provided, single submitter. Criteria: Invitae Variant Classification Sherloc (09022015). Collection method: clinical testing. Allele origin: germline.
Comment: This sequence change replaces threonine, which is neutral and polar, with lysine, which is basic and polar, at codon 1040 of the INF2 protein (p.Thr1040Lys). This variant is not present in population databases (gnomAD no frequency). This variant has not been reported in the literature in individuals affected with INF2-related conditions. Advanced modeling of protein sequence and biophysical properties (such as structural, functional, and spatial information, amino acid conservation, physicochemical variation, residue mobility, and thermodynamic stability) performed at Invitae indicates that this missense variant is not expected to disrupt INF2 protein function with a negative predictive value of 95%. In summary, the available evidence is currently insufficient to determine the role of this variant in disease. Therefore, it has been classified as a Variant of Uncertain Significance.